The following is an entry in ClinVar:

NM_000503.6(EYA1):c.639+1G>A

Gene: EYA1 (EYA transcriptional coactivator and phosphatase 1; minus strand). Cytogenetic location: 8q13.3.
Variant type: single nucleotide variant.
Coding change: c.639+1G>A on transcript NM_000503.6 (MANE Select); the canonical splice donor site of the intron after coding-DNA position 639, G replaced by A.
Molecular consequence: splice donor variant.
Genome position (GRCh38, 1-based): chr8:71,299,637, C>T on the plus strand (G>A on the coding strand, the complement: EYA1 is on the minus strand). VCF-style: chr8-71299637-C-T. GRCh37 (hg19) VCF-style: chr8-72211872-C-T.
Other names: IVS6DS, G-A, +1; c.708+1G>A (NM_001370336.1); c.726+1G>A (NM_001370333.1); c.639+1G>A (NM_001370335.1, NM_001370334.1, NM_172058.4); c.711+1G>A (NM_172059.5); c.540+1G>A (NM_001411797.1, NM_172060.4); c.273+1G>A (NM_001288575.2); c.621+1G>A (NM_001288574.2).
Identifiers: ClinVar variation 7942 (VCV000007942.8), dbSNP rs869025180, ClinGen allele CA351492.

ClinVar aggregate classification (germline): Pathogenic. Review status: criteria provided, single submitter (1 of 4 stars). 2 submissions from 2 submitters: Pathogenic (1). 1 of the submissions does not count toward it. Last evaluated 2025-09-02.

Conditions:
Melnick-Fraser syndrome (BOR). Also called: Branchio-oto-renal syndrome; Branchiootorenal syndrome; Branchiootorenal Syndrome (BORS). Identifiers: Orphanet 107, MedGen C0265234, MONDO:0007029.
Otofaciocervical syndrome 1 (OTFCS). Identifiers: MedGen C3714941, MONDO:0024532, OMIM 166780.

Submissions (2):

Labcorp Genetics (formerly Invitae), Labcorp
Classification: Pathogenic for Melnick-Fraser syndrome. Last evaluated: 2025-09-02. Review status: criteria provided, single submitter. Criteria: Invitae Variant Classification Sherloc (09022015). Collection method: clinical testing. Allele origin: germline.
Comment: This sequence change affects a donor splice site in intron 8 of the EYA1 gene. It is expected to disrupt RNA splicing. Variants that disrupt the donor or acceptor splice site typically lead to a loss of protein function (PMID: 16199547), and loss-of-function variants in EYA1 are known to be pathogenic (PMID: 10464653, 18220287). This variant is not present in population databases (gnomAD no frequency). Disruption of this splice site has been observed in individual(s) with branchiootorenal syndrome (PMID: 16441263). In at least one individual the variant was observed to be de novo. This variant is also known as IVS6 c.540+1G>A. ClinVar contains an entry for this variant (Variation ID: 7942). Algorithms developed to predict the effect of sequence changes on RNA splicing suggest that this variant may disrupt the consensus splice site. For these reasons, this variant has been classified as Pathogenic.

OMIM
Classification: Pathogenic for OTOFACIOCERVICAL SYNDROME 1 (1 patient). Last evaluated: 2006-01-01. Review status: no assertion criteria provided. Collection method: literature only. Allele origin: germline. Not counted in ClinVar's aggregate classification.

Literature cited by the submitters: PubMed 16199547 (cited by Labcorp Genetics (formerly Invitae), Labcorp); PubMed 10464653 (cited by Labcorp Genetics (formerly Invitae), Labcorp); PubMed 18220287 (cited by Labcorp Genetics (formerly Invitae), Labcorp); PubMed 16441263 (cited by Labcorp Genetics (formerly Invitae), Labcorp and OMIM).